The following is an entry in ClinVar:

ClinVar aggregate classification (germline): Pathogenic/Likely pathogenic. Review status: criteria provided, multiple submitters, no conflicts (2 of 4 stars). 2 submissions from 2 submitters: Pathogenic (1); Likely pathogenic (1). Last evaluated 2023-10-01.

Conditions:
Retinitis pigmentosa 12 (RP12). Also called: RP WITH OR WITHOUT PPRPE; RP WITH OR WITHOUT PRESERVED PARAARTERIOLE RETINAL PIGMENT EPITHELIUM; RETINITIS PIGMENTOSA WITH OR WITHOUT PARAARTERIOLAR PRESERVATION OF RETINAL PIGMENT EPITHELIUM. Identifiers: Orphanet 791, MedGen C1838647, MONDO:0010818, OMIM 600105.
Leber congenital amaurosis 8 (LCA8). Identifiers: Orphanet 65, MedGen C3151202, MONDO:0013453, OMIM 613835.
Retinal dystrophy. Also called: Inherited retinal dystrophy. Identifiers: Orphanet 71862, MedGen C0854723, MeSH D058499, MONDO:0019118, HP:0000556.

Submissions (2):

Dept Of Ophthalmology, Nagoya University
Classification: Pathogenic for Retinal dystrophy. Last evaluated: 2023-10-01. Review status: criteria provided, single submitter. Criteria: Submitter's publication. Collection method: research. Allele origin: germline. Affected: yes.

Labcorp Genetics (formerly Invitae), Labcorp
Classification: Likely pathogenic for Leber congenital amaurosis 8; Retinitis pigmentosa 12. Last evaluated: 2020-03-04. Review status: criteria provided, single submitter. Criteria: Invitae Variant Classification Sherloc (09022015). Collection method: clinical testing. Allele origin: germline.
Comment: In summary, the currently available evidence indicates that the variant is pathogenic, but additional data are needed to prove that conclusively. Therefore, this variant has been classified as Likely Pathogenic. Nucleotide substitutions within the consensus splice site are a relatively common cause of aberrant splicing (PMID: 17576681, 9536098). Algorithms developed to predict the effect of sequence changes on RNA splicing suggest that this variant may disrupt the consensus splice site, but this prediction has not been confirmed by published transcriptional studies. This variant has been observed in individual(s) with early onset retinal dystrophy (PMID: 25323024). In at least one individual the data is consistent with the variant being in trans (on the opposite chromosome) from a pathogenic variant. This variant is not present in population databases (ExAC no frequency). This sequence change falls in intron 2 of the CRB1 gene. It does not directly change the encoded amino acid sequence of the CRB1 protein, but it affects nucleotides within the consensus splice site of the intron.

Literature cited by the submitters: PubMed 17576681 (cited by Labcorp Genetics (formerly Invitae), Labcorp); PubMed 9536098 (cited by Labcorp Genetics (formerly Invitae), Labcorp); PubMed 25323024 (cited by Labcorp Genetics (formerly Invitae), Labcorp).

NM_201253.3(CRB1):c.652+3_652+6del

Gene: CRB1 (crumbs cell polarity complex component 1; plus strand). Cytogenetic location: 1q31.3.
Variant type: Deletion.
Coding change: c.652+3_652+6del on transcript NM_201253.3 (MANE Select); bases 3 to 6 of the intron after coding-DNA position 652, 4 bases deleted (AAGT; older notation c.652+3_652+6delAAGT).
Molecular consequence: splice donor variant.
Genome position (GRCh38, 1-based): chr1:197,329,006-197,329,009, AAGT deleted; deleting any 4 consecutive bases within chr1:197,329,004-197,329,009 gives the same sequence; the c. name uses the placement nearest the transcript's 3' end. VCF-style (leftmost placement, unchanged base first): chr1-197329003-GGTAA-G. GRCh37 (hg19) VCF-style: chr1-197298133-GGTAA-G.
Other names: c.445+3_445+6delAAGT (NM_001257965.2); c.445+3_445+6del (NM_001257965.2); c.652+3_652+6del (NM_001257966.2, NM_001193640.2).
Identifiers: ClinVar variation 1066707 (VCV001066707.10), dbSNP rs1658700284, ClinGen allele CA1010919312.
Genomic context (GRCh38, chr1:197,329,003, plus strand): 5'-GAGGCTACATGCCTCAATGAAATAGGAAGATATACTTGTATCTGTCCCCACAATTATTCT[GGTAA>G]GTGTGATCATATCTGAATCACAGATGGTGTAGTTAGCTCTTTCTAAGTGGCAGAAGCAGA-3'